The following is an entry in ClinVar:

ClinVar aggregate classification (germline): Uncertain significance (1 of 4 stars; one submission).

Conditions:
Glycogen storage disease type X (GSD10). Also called: PGAMM DEFICIENCY; PHOSPHOGLYCERATE MUTASE, MUSCLE, DEFICIENCY OF; GSD X; MYOPATHY DUE TO PHOSPHOGLYCERATE MUTASE DEFICIENCY; Glycogen storage disease due to phosphoglycerate mutase deficiency; Dimauro disease. Identifiers: Orphanet 97234, MedGen C0268149, MONDO:0009865, OMIM 261670.

Allele frequency attached by ClinVar (database versions not stated): TOPMed 0.00001; ExAC 0.00003; gnomAD exomes 0.00003.
gnomAD v4.1: 46 of 1,607,888 alleles (0.0029%); highest among the groups gnomAD compares: Non-Finnish European, 0.0031%; no homozygotes.

Submission:

Labcorp Genetics (formerly Invitae), Labcorp
Classification: Uncertain significance for Glycogen storage disease type X. Last evaluated: 2022-07-26. Review status: criteria provided, single submitter. Criteria: Invitae Variant Classification Sherloc (09022015). Collection method: clinical testing. Allele origin: germline.
Comment: This sequence change replaces glutamic acid, which is acidic and polar, with lysine, which is basic and polar, at codon 154 of the PGAM2 protein (p.Glu154Lys). This variant is present in population databases (rs763664797, gnomAD 0.007%). This missense change has been observed in individual(s) with clinical features of late-onset polyglucosan body myopathy (PMID: 19322572). Algorithms developed to predict the effect of missense changes on protein structure and function (SIFT, PolyPhen-2, Align-GVGD) all suggest that this variant is likely to be disruptive. In summary, the available evidence is currently insufficient to determine the role of this variant in disease. Therefore, it has been classified as a Variant of Uncertain Significance.

Literature cited by the submitters: PubMed 19322572.

NM_000290.4(PGAM2):c.460G>A (p.Glu154Lys)

Genes: DBNL (drebrin like; plus strand), PGAM2 (phosphoglycerate mutase 2; minus strand). Cytogenetic location: 7p13.
Variant type: single nucleotide variant.
Coding change: c.460G>A on transcript NM_000290.4 (MANE Select); coding-DNA position 460, G replaced by A.
Protein change: p.Glu154Lys; replaces glutamic acid 154 with lysine.
Molecular consequence: missense variant. On other transcripts: 3 prime UTR variant (6).
Genome position (GRCh38, 1-based): chr7:44,064,967, C>T on the plus strand (G>A on the coding strand, the complement: PGAM2 is on the minus strand). VCF-style: chr7-44064967-C-T. GRCh37 (hg19) VCF-style: chr7-44104566-C-T.
Other names: c.*4051C>T (NM_001014436.3, NM_001122956.2, NM_001284313.2 and 3 more transcripts); short protein forms E154K.
Identifiers: ClinVar variation 2136503 (VCV002136503.1), dbSNP rs763664797, ClinGen allele CA4236562.